The following is an entry in ClinVar:

ClinVar aggregate classification (germline): Uncertain significance (1 of 4 stars; one submission).

Submission:

GeneDx
Classification: Uncertain significance. Last evaluated: 2024-02-04. Review status: criteria provided, single submitter. Criteria: GeneDx Variant Classification Process June 2021. Collection method: clinical testing. Allele origin: germline. Affected: yes.
Comment: Not observed at significant frequency in large population cohorts (gnomAD); In silico analysis supports that this missense variant has a deleterious effect on protein structure/function; Has not been previously published as pathogenic or benign to our knowledge

NM_032590.5(KDM2B):c.3004A>G (p.Asn1002Asp)

Gene: KDM2B (lysine demethylase 2B; minus strand). Cytogenetic location: 12q24.31.
Variant type: single nucleotide variant.
Coding change: c.3004A>G on transcript NM_032590.5 (MANE Select); coding-DNA position 3004, A replaced by G.
Protein change: p.Asn1002Asp; replaces asparagine 1002 with aspartic acid.
Molecular consequence: missense variant.
Genome position (GRCh38, 1-based): chr12:121,442,437, T>C on the plus strand (A>G on the coding strand, the complement: KDM2B is on the minus strand). VCF-style: chr12-121442437-T-C. GRCh37 (hg19) VCF-style: chr12-121880240-T-C.
Other names: c.2797A>G, p.Asn933Asp (NM_001005366.2); short protein forms N1002D, N933D.
Identifiers: ClinVar variation 3368825 (VCV003368825.1).